The following is an entry in ClinVar:

ClinVar aggregate classification (germline): Pathogenic/Likely pathogenic. Review status: criteria provided, multiple submitters, no conflicts (2 of 4 stars). 11 submissions from 11 submitters: Pathogenic (8); Likely pathogenic (1). 2 of the submissions do not count toward it. Last evaluated 2026-01-15.

Conditions:
LRP5-related disorder. Also called: LRP5-related condition.
Inborn genetic diseases. Identifiers: MedGen C0950123, MeSH D030342.
Familial exudative vitreoretinopathy. Identifiers: Orphanet 891, MedGen C0339539, MeSH D000080345, MONDO:0019516.
Retinal dystrophy. Also called: Inherited retinal dystrophy. Identifiers: Orphanet 71862, MedGen C0854723, MeSH D058499, MONDO:0019118, HP:0000556.
Exudative vitreoretinopathy 4 (EVR4). Identifiers: Orphanet 891, MedGen C1866176, MONDO:0011151, OMIM 601813.
Osteoporosis with pseudoglioma (OPPG). Also called: osteoporosis-pseudoglioma syndrome. Identifiers: Orphanet 2788, MedGen C0432252, MONDO:0009820, OMIM 259770.
Exudative vitreoretinopathy 4, autosomal dominant. Identifiers: MedGen C4016838.

Submissions (17):

Institute of Medical Genetics and Applied Genomics, University Hospital Tübingen
Classification: Likely pathogenic for Exudative vitreoretinopathy 4. Last evaluated: 2026-01-15. Review status: criteria provided, single submitter. Criteria: ACMG Guidelines, 2015. Collection method: clinical testing. Allele origin: germline. Inheritance: Autosomal dominant inheritance. Affected: yes.

GeneDx
Classification: Pathogenic. Last evaluated: 2025-08-05. Review status: criteria provided, single submitter. Criteria: GeneDx Variant Classification Process June 2021. Collection method: clinical testing. Allele origin: germline. Affected: yes.
Comment: Identified in many patients with familial exudative vitreoretinopathy referred for genetic testing at GeneDx and in published literature (ex.see PMID: 40458664, 31299183); Canonical splice site variant predicted to result in a null allele in a gene for which loss of function is a known mechanism of disease; Not observed at significant frequency in large population cohorts (gnomAD); This variant is associated with the following publications: (PMID: 29181528, 25525159, 15981244, 31237656, 31987760, 31589614, 36018796, 35328049, 38219857, 39918476, 37973048, 15024691, 31299183, 40458664, 32581362)

PreventionGenetics, part of Exact Sciences
Classification: Pathogenic for LRP5-related condition. Last evaluated: 2025-06-20. Review status: criteria provided, single submitter. Criteria: ACMG Guidelines, 2015. Collection method: clinical testing. Allele origin: germline.
Comment: The LRP5 c.4488+2T>G variant is predicted to disrupt the GT donor site and interfere with normal splicing. This variant has been reported to segregate with disease in a kindred with autosomal dominant exudative vitreoretinopathy (Toomes et al. 2004. PubMed ID: 15024691), and has been reported in an unrelated individual with exudative vitreoretinopathy (Chen et al. 2020. PubMed ID: 31987760). This variant has not been reported in a large population database, indicating this variant is rare. Variants that disrupt the consensus splice donor site in LRP5 are expected to be pathogenic, and this variant is interpreted as pathogenic by multiple independent submitters to the ClinVar database. Given all the evidence, we interpret c.4488+2T>G as pathogenic.

Labcorp Genetics (formerly Invitae), Labcorp
Classification: Pathogenic. Last evaluated: 2024-11-05. Review status: criteria provided, single submitter. Criteria: Invitae Variant Classification Sherloc (09022015). Collection method: clinical testing. Allele origin: germline.
Comment: This sequence change affects a donor splice site in intron 21 of the LRP5 gene. It is expected to disrupt RNA splicing. Variants that disrupt the donor or acceptor splice site typically lead to a loss of protein function (PMID: 16199547), and loss-of-function variants in LRP5 are known to be pathogenic (PMID: 11719191, 16252235, 25711638). This variant is not present in population databases (gnomAD no frequency). Disruption of this splice site has been observed in individual(s) with autosomal dominant familial exudative vitreoretinopathy (PMID: 15024691). It has also been observed to segregate with disease in related individuals. ClinVar contains an entry for this variant (Variation ID: 6287). Algorithms developed to predict the effect of sequence changes on RNA splicing suggest that this variant may disrupt the consensus splice site. For these reasons, this variant has been classified as Pathogenic.

Blueprint Genetics
Classification: Pathogenic for LRP5-related disorders. Last evaluated: 2018-12-15. Review status: criteria provided, single submitter. Criteria: ACMG Guidelines, 2015. Collection method: clinical testing. Allele origin: germline. Affected: yes. Observed: 1 variant allele.

Ambry Genetics
Classification: Pathogenic for Inborn genetic diseases. Last evaluated: 2018-02-21. Review status: criteria provided, single submitter. Criteria: Ambry exome assertion method (8-5-2015). Collection method: clinical testing. Allele origin: germline. Affected: yes. Observed: 1 variant allele.

Institute of Human Genetics, Univ. Regensburg, Univ. Regensburg
Classification: Pathogenic for Retinal dystrophy. Last evaluated: 2016-01-01. Review status: criteria provided, single submitter. Criteria: ACMG Guidelines, 2015. Collection method: clinical testing. Allele origin: germline. Affected: yes.

Juno Genomics, Hangzhou Juno Genomics, Inc
Classification: Pathogenic for Exudative vitreoretinopathy 4. Review status: criteria provided, single submitter. Criteria: ACMG Guidelines, 2015. Collection method: clinical testing. Allele origin: germline. Affected: yes.
Comment: Absent from controls (or at extremely low frequency if recessive) in Genome Aggregation Database, Exome Sequencing Project, 1000 Genomes Project, or Exome Aggregation Consortium.;Null variant in a gene where loss of function (LOF) is a known mechanism of disease.;The prevalence of the variant in affected individuals is significantly increased compared to the prevalence in controls.;Patient's phenotype or family history is highly specific for a disease with a single genetic etiology.;Co-segregation with disease in multiple affected family members in a gene definitively known to cause the disease.

Kasturba Medical College, Manipal, Kasturba Medical College, Manipal, Manipal Academy of Higher Education, Manipal, India
Classification: Pathogenic for Osteoporosis with pseudoglioma. Review status: criteria provided, single submitter. Criteria: ACMG Guidelines, 2015. Collection method: research. Allele origin: biparental. Inheritance: Autosomal recessive inheritance. Affected: yes. Observed: 1 homozygote.
Comment: The variant is absent in gnomAD (v4.1.0) and our in-house database of 3369 exomes.

NIHR Bioresource Rare Diseases, University of Cambridge
Classification: Pathogenic. Last evaluated: 2015-01-01. Review status: no assertion criteria provided. Collection method: research. Allele origin: unknown. Affected: yes. Observed: 1 variant allele. Not counted in ClinVar's aggregate classification.

OMIM
Classification: Pathogenic for EXUDATIVE VITREORETINOPATHY 4, AUTOSOMAL DOMINANT. Last evaluated: 2004-04-01. Review status: no assertion criteria provided. Collection method: literature only. Allele origin: germline. Not counted in ClinVar's aggregate classification.

Dr. Peter K. Rogan Lab, Western University
No classification provided (evidence only). Condition: Ovarian serous cystadenocarcinoma. Review status: no classification provided. Collection method: in vitro. Allele origin: not applicable. Functional consequence: retained intron. Not counted in ClinVar's aggregate classification.

Dr. Peter K. Rogan Lab, Western University
No classification provided (evidence only). Condition: Ovarian serous cystadenocarcinoma. Review status: no classification provided. Collection method: in vitro. Allele origin: not applicable. Functional consequence: retained intron. Not counted in ClinVar's aggregate classification.

Dr. Peter K. Rogan Lab, Western University
No classification provided (evidence only). Condition: Ovarian serous cystadenocarcinoma. Review status: no classification provided. Collection method: in vitro. Allele origin: not applicable. Functional consequence: retained intron. Not counted in ClinVar's aggregate classification.

Dr. Peter K. Rogan Lab, Western University
No classification provided (evidence only). Condition: Ovarian serous cystadenocarcinoma. Review status: no classification provided. Collection method: in vitro. Allele origin: not applicable. Functional consequence: retained intron. Not counted in ClinVar's aggregate classification.

Dr. Peter K. Rogan Lab, Western University
No classification provided (evidence only). Condition: Ovarian serous cystadenocarcinoma. Review status: no classification provided. Collection method: in vitro. Allele origin: not applicable. Functional consequence: retained intron. Not counted in ClinVar's aggregate classification.

Dr. Peter K. Rogan Lab, Western University
No classification provided (evidence only). Condition: Ovarian serous cystadenocarcinoma. Review status: no classification provided. Collection method: in vitro. Allele origin: not applicable. Functional consequence: retained intron. Not counted in ClinVar's aggregate classification.

Literature cited by the submitters: PubMed 16199547 (cited by Labcorp Genetics (formerly Invitae), Labcorp); PubMed 11719191 (cited by Labcorp Genetics (formerly Invitae), Labcorp); PubMed 16252235 (cited by Labcorp Genetics (formerly Invitae), Labcorp); PubMed 25711638 (cited by Labcorp Genetics (formerly Invitae), Labcorp); PubMed 15024691 (cited by 6 submitters); PubMed 29181528 (cited by Ambry Genetics); PubMed 25525159 (cited by Institute of Human Genetics, Univ. Regensburg, Univ. Regensburg); PubMed 31589614 (cited by Institute of Human Genetics, Univ. Regensburg, Univ. Regensburg); PubMed 31237656 (cited by Institute of Human Genetics, Univ. Regensburg, Univ. Regensburg); PubMed 31987760 (cited by Institute of Human Genetics, Univ. Regensburg, Univ. Regensburg); PubMed 32581362 (cited by Institute of Human Genetics, Univ. Regensburg, Univ. Regensburg); PubMed 35328049 (cited by Institute of Human Genetics, Univ. Regensburg, Univ. Regensburg); PubMed 28041643 (cited by NIHR Bioresource Rare Diseases, University of Cambridge); PubMed 8832721 (cited by OMIM).

NM_002335.4(LRP5):c.4488+2T>G

Gene: LRP5 (LDL receptor related protein 5; plus strand). Cytogenetic location: 11q13.2.
Variant type: single nucleotide variant.
Coding change: c.4488+2T>G on transcript NM_002335.4 (MANE Select); the canonical splice donor site of the intron after coding-DNA position 4488, T replaced by G.
Molecular consequence: splice donor variant.
Genome position (GRCh38, 1-based): chr11:68,439,918, T>G. VCF-style: chr11-68439918-T-G. GRCh37 (hg19) VCF-style: chr11-68207386-T-G.
Other names: IVS21DS, T-G, +2; c.2745+2T>G (NM_001291902.2).
Identifiers: ClinVar variation 6287 (VCV000006287.24), dbSNP rs80358322, ClinGen allele CA118101.
Genomic context (GRCh38, chr11:68,439,918, plus strand): 5'-ACGTCACAGGGGCCTCGTCCAGCAGCTCGTCCAGCACGAAGGCCACGCTGTACCCGCCGG[T>G]GAGGGGCGGGGCCGGGGAGGGGCGGGGCGGGATGGGGCTGTGGGCCCCTCCCACCGTCAG-3'